The following is an entry in ClinVar:

NM_000038.6(APC):c.4733G>C (p.Cys1578Ser)

Gene: APC (APC regulator of Wnt signaling pathway; plus strand). Cytogenetic location: 5q22.2.
Variant type: single nucleotide variant.
Coding change: c.4733G>C on transcript NM_000038.6 (MANE Select); coding-DNA position 4733, G replaced by C.
Protein change: p.Cys1578Ser; replaces cysteine 1578 with serine.
Molecular consequence: missense variant. On other transcripts: non-coding transcript variant (2).
Genome position (GRCh38, 1-based): chr5:112,840,327, G>C. VCF-style: chr5-112840327-G-C. GRCh37 (hg19) VCF-style: chr5-112176024-G-C.
Other names: c.4733G>C, p.Cys1578Ser (NM_001127510.3, NM_001354895.2, NM_001407450.1); c.4679G>C, p.Cys1560Ser (NM_001127511.3); c.4787G>C, p.Cys1596Ser (NM_001354896.2, NM_001407447.1, NM_001407448.1 and 1 more transcripts); c.4763G>C, p.Cys1588Ser (NM_001354897.2); c.4658G>C, p.Cys1553Ser (NM_001354898.2); c.4649G>C, p.Cys1550Ser (NM_001354899.2); c.4610G>C, p.Cys1537Ser (NM_001354900.2); c.4556G>C, p.Cys1519Ser (NM_001354901.2, NM_001407453.1); and 11 more; short protein forms C1194S, C1295S, C1588S, C1596S, C1418S, C1449S, C1537S, C1553S.
Identifiers: ClinVar variation 4120479 (VCV004120479.1).
Genomic context (GRCh38, chr5:112,840,327, plus strand): 5'-ATTCTGAAAAGGACCTATTAGATGATTCAGATGATGATGATATTGAAATACTAGAAGAAT[G>C]TATTATTTCTGCCATGCCAACAAAGTCATCACGTAAAGCAAAAAAGCCAGCCCAGACTGC-3'
Protein context (NP_000029.2, residues 1568-1588): DDDDIEILEE[Cys1578Ser]IISAMPTKSS

ClinVar aggregate classification (germline): Uncertain significance (1 of 4 stars; one submission).

Conditions:
Hereditary cancer-predisposing syndrome. Also called: Hereditary neoplastic syndrome; Neoplastic Syndromes, Hereditary; Tumor predisposition; Hereditary Cancer Syndrome. Identifiers: Orphanet 140162, MedGen C0027672, MeSH D009386, MONDO:0015356.

Submission:

Ambry Genetics
Classification: Uncertain significance for Hereditary cancer-predisposing syndrome. Last evaluated: 2025-07-17. Review status: criteria provided, single submitter. Criteria: Ambry Variant Classification Scheme 2023. Collection method: clinical testing. Allele origin: germline.
Comment: The p.C1578S variant (also known as c.4733G>C), located in coding exon 15 of the APC gene, results from a G to C substitution at nucleotide position 4733. The cysteine at codon 1578 is replaced by serine, an amino acid with dissimilar properties. This variant was reported in individual(s) with features consistent with APC-related familial adenomatous polyposis (FAP) (Ambry internal data). Based on internal structural analysis, this variant is anticipated to disrupt a region of known function (Ambry internal data). This amino acid position is highly conserved in available vertebrate species. In addition, in silico predictors for this gene do not accurately predict pathogenicity. Based on the available evidence, the clinical significance of this variant remains unclear.